The following is an entry in ClinVar:

ClinVar aggregate classification (germline): Uncertain significance (1 of 4 stars; one submission).

Conditions:
Hypertrophic cardiomyopathy 14. Identifiers: MedGen C2750467, MONDO:0013197, OMIM 613251.

Allele frequency attached by ClinVar (database versions not stated): gnomAD exomes below 0.00001; gnomAD 0.00001; TOPMed 0.00002.
gnomAD v4.1: 2 of 1,611,826 alleles (0.00012%); highest among the groups gnomAD compares: Admixed American, 0.0017%; no homozygotes.

Submission:

Labcorp Genetics (formerly Invitae), Labcorp
Classification: Uncertain significance for Hypertrophic cardiomyopathy 14. Last evaluated: 2025-05-08. Review status: criteria provided, single submitter. Criteria: Invitae Variant Classification Sherloc (09022015). Collection method: clinical testing. Allele origin: germline.
Comment: This sequence change replaces glutamic acid, which is acidic and polar, with aspartic acid, which is acidic and polar, at codon 1220 of the MYH6 protein (p.Glu1220Asp). This variant is not present in population databases (gnomAD no frequency). This variant has not been reported in the literature in individuals affected with MYH6-related conditions. ClinVar contains an entry for this variant (Variation ID: 2140783). An algorithm developed to predict the effect of missense changes on protein structure and function (PolyPhen-2) suggests that this variant is likely to be disruptive. In summary, the available evidence is currently insufficient to determine the role of this variant in disease. Therefore, it has been classified as a Variant of Uncertain Significance.

NM_002471.4(MYH6):c.3660G>C (p.Glu1220Asp)

Gene: MYH6 (myosin heavy chain 6; minus strand). Cytogenetic location: 14q11.2.
Variant type: single nucleotide variant.
Coding change: c.3660G>C on transcript NM_002471.4 (MANE Select); coding-DNA position 3660, G replaced by C.
Protein change: p.Glu1220Asp; replaces glutamic acid 1220 with aspartic acid.
Molecular consequence: missense variant.
Genome position (GRCh38, 1-based): chr14:23,390,129, C>G on the plus strand (G>C on the coding strand, the complement: MYH6 is on the minus strand). VCF-style: chr14-23390129-C-G. GRCh37 (hg19) VCF-style: chr14-23859338-C-G.
Other names: short protein forms E1220D.
Identifiers: ClinVar variation 2140783 (VCV002140783.4), dbSNP rs748655783, ClinGen allele CA389005483.